The following is an entry in ClinVar:

NM_015272.5(RPGRIP1L):c.2591A>T (p.Tyr864Phe)

Gene: RPGRIP1L (RPGRIP1 like; minus strand). Cytogenetic location: 16q12.2.
Variant type: single nucleotide variant.
Coding change: c.2591A>T on transcript NM_015272.5 (MANE Select); coding-DNA position 2591, A replaced by T.
Protein change: p.Tyr864Phe; replaces tyrosine 864 with phenylalanine.
Molecular consequence: missense variant.
Genome position (GRCh38, 1-based): chr16:53,645,717, T>A on the plus strand (A>T on the coding strand, the complement: RPGRIP1L is on the minus strand). VCF-style: chr16-53645717-T-A. GRCh37 (hg19) VCF-style: chr16-53679629-T-A.
Other names: c.2591A>T, p.Tyr864Phe (NM_001127897.4, NM_001308334.3, NM_001330538.2); short protein forms Y864F.
Identifiers: ClinVar variation 3348788 (VCV003348788.3).

ClinVar aggregate classification (germline): Uncertain significance. Review status: criteria provided, multiple submitters, no conflicts (2 of 4 stars). 2 submissions from 2 submitters: Uncertain significance (2). Last evaluated 2025-12-06.

Conditions:
COACH syndrome 3. Identifiers: MedGen C5436841, MONDO:0030862, OMIM 619113.
Meckel syndrome, type 5 (MKS5). Identifiers: Orphanet 564, MedGen C1969052, MONDO:0012695, OMIM 611561.
Joubert syndrome 7 (JBTS7). Identifiers: Orphanet 220497, MedGen C1969053, MONDO:0012694, OMIM 611560.
RPGRIP1L-related disorder. Also called: RPGRIP1L-related disorders; RPGRIP1L-related condition. Identifiers: MedGen CN239416.

gnomAD v4.1: 5 of 1,614,052 alleles (0.00031%); highest among the groups gnomAD compares: Non-Finnish European, 0.00034%; no homozygotes.

Submissions (2):

PreventionGenetics, part of Exact Sciences
Classification: Uncertain significance for RPGRIP1L-related condition. Last evaluated: 2025-12-06. Review status: criteria provided, single submitter. Criteria: ACMG Guidelines, 2015. Collection method: clinical testing. Allele origin: germline.
Comment: The RPGRIP1L c.2591A>T variant is predicted to result in the amino acid substitution p.Tyr864Phe. To our knowledge, this variant has not been reported in the literature or in a large population database (gnomAD), indicating this variant is rare. At this time, the clinical significance of this variant is uncertain due to the absence of conclusive functional and genetic evidence.

Fulgent Genetics
Classification: Uncertain significance for Joubert syndrome 7; Meckel syndrome, type 5; COACH syndrome 3. Last evaluated: 2024-05-28. Review status: criteria provided, single submitter. Criteria: ACMG Guidelines, 2015. Collection method: clinical testing. Allele origin: germline.